The following is an entry in ClinVar:

ClinVar aggregate classification (germline): Uncertain significance (1 of 4 stars; one submission).

Conditions:
Autosomal recessive nonsyndromic hearing loss 66 (DFNB66). Also called: Deafness, autosomal recessive 66. Identifiers: Orphanet 90636, MedGen C1857750, MONDO:0012442, OMIM 610212.
Isolated neonatal sclerosing cholangitis (NSC). Also called: Sclerosing cholangitis, neonatal. Identifiers: Orphanet 480556, MedGen C4479344, MONDO:0018816, OMIM 617394.

gnomAD v4.1: 1 of 1,614,064 alleles (0.000062%); highest among the groups gnomAD compares: Middle Eastern, 0.016%; no homozygotes.

Submission:

Labcorp Genetics (formerly Invitae), Labcorp
Classification: Uncertain significance for Deafness, autosomal recessive 66; Isolated neonatal sclerosing cholangitis. Last evaluated: 2019-04-04. Review status: criteria provided, single submitter. Criteria: Invitae Variant Classification Sherloc (09022015). Collection method: clinical testing. Allele origin: germline.
Comment: This sequence change replaces alanine with serine at codon 324 of the DCDC2 protein (p.Ala324Ser). The alanine residue is moderately conserved and there is a moderate physicochemical difference between alanine and serine. This variant is not present in population databases (ExAC no frequency). This variant has not been reported in the literature in individuals with DCDC2-related conditions. Algorithms developed to predict the effect of missense changes on protein structure and function are either unavailable or do not agree on the potential impact of this missense change (SIFT: "Deleterious"; PolyPhen-2: "Probably Damaging"; Align-GVGD: "Class C0"). Algorithms developed to predict the effect of sequence changes on RNA splicing suggest that this variant may create or strengthen a splice site, but this prediction has not been confirmed by published transcriptional studies. In summary, the available evidence is currently insufficient to determine the role of this variant in disease. Therefore, it has been classified as a Variant of Uncertain Significance.

NM_016356.5(DCDC2):c.970G>T (p.Ala324Ser)

Gene: DCDC2 (doublecortin domain containing 2; minus strand). Cytogenetic location: 6p22.3.
Variant type: single nucleotide variant.
Coding change: c.970G>T on transcript NM_016356.5 (MANE Select); coding-DNA position 970, G replaced by T.
Protein change: p.Ala324Ser; replaces alanine 324 with serine.
Molecular consequence: missense variant.
Genome position (GRCh38, 1-based): chr6:24,205,055, C>A on the plus strand (G>T on the coding strand, the complement: DCDC2 is on the minus strand). VCF-style: chr6-24205055-C-A. GRCh37 (hg19) VCF-style: chr6-24205283-C-A.
Other names: c.970G>T, p.Ala324Ser (NM_001195610.2); short protein forms A324S.
Identifiers: ClinVar variation 862889 (VCV000862889.1), dbSNP rs1416369642, ClinGen allele CA363277503.